The following is an entry in ClinVar:

ClinVar aggregate classification (germline): Conflicting classifications of pathogenicity. Review status: criteria provided, conflicting classifications (1 of 4 stars). 3 submissions from 3 submitters: Uncertain significance (2); Likely benign (1). Last evaluated 2025-06-11.

Allele frequency attached by ClinVar (database versions not stated): gnomAD exomes 0.00006 and 0.00012; gnomAD below 0.00001 and 0.00001; ExAC 0.00014.
gnomAD v4.1: 83 of 1,613,680 alleles (0.0051%); highest among the groups gnomAD compares: South Asian, 0.091%; 1 homozygote.

Submissions (3):

Revvity Omics, Revvity
Classification: Uncertain significance. Last evaluated: 2025-06-11. Review status: criteria provided, single submitter. Criteria: ACMG Guidelines, 2015. Collection method: clinical testing. Allele origin: germline.

GeneDx
Classification: Likely benign. Last evaluated: 2018-01-24. Review status: criteria provided, single submitter. Criteria: GeneDx Variant Classification (06012015). Collection method: clinical testing. Allele origin: germline. Affected: yes.
Comment: This variant is considered likely benign or benign based on one or more of the following criteria: it is a conservative change, it occurs at a poorly conserved position in the protein, it is predicted to be benign by multiple in silico algorithms, and/or has population frequency not consistent with disease.

Laboratory for Molecular Medicine, Mass General Brigham Personalized Medicine
Classification: Uncertain significance. Last evaluated: 2015-05-07. Review status: criteria provided, single submitter. Criteria: LMM Criteria. Collection method: clinical testing. Allele origin: germline. Observed: 1 variant allele.
Comment: Variant classified as Uncertain Significance - Favor Benign. The p.Ile4340Asn va riant in TTN has not been previously reported in individuals with cardiomyopathy , but has been identified in 0.1% (17/16512) of South Asian chromosomes by the E xome Aggregation Consortium (ExAC). Computationa l prediction tools and conservation analysis do not provide strong support for o r against an impact to the protein. In summary, while the clinical significance of the p.Ile4340Asn variant is uncertain, its frequency suggests that it is more likely to be benign.

NM_001267550.2(TTN):c.16751T>A (p.Ile5584Asn)

Gene: TTN (titin; minus strand). Cytogenetic location: 2q31.2.
Variant type: single nucleotide variant.
Coding change: c.16751T>A on transcript NM_001267550.2 (MANE Select); coding-DNA position 16751, T replaced by A.
Protein change: p.Ile5584Asn; replaces isoleucine 5584 with asparagine.
Molecular consequence: missense variant. On other transcripts: intron variant (3).
Genome position (GRCh38, 1-based): chr2:178,732,218, A>T on the plus strand (T>A on the coding strand, the complement: TTN is on the minus strand). VCF-style: chr2-178732218-A-T. GRCh37 (hg19) VCF-style: chr2-179596945-A-T.
Other names: c.15800T>A, p.Ile5267Asn (NM_001256850.1); c.13019T>A, p.Ile4340Asn (NM_133378.4); c.13282+5864T>A (NM_003319.4); c.13858+5864T>A (NM_133437.4); c.13657+5864T>A (NM_133432.3); short protein forms I4340N, I5584N, I5267N.
Identifiers: ClinVar variation 229390 (VCV000229390.7), dbSNP rs779652311, ClinGen allele CA2001980.